The following is an entry in ClinVar:

ClinVar aggregate classification (germline): Uncertain significance (1 of 4 stars; one submission).

gnomAD v4.1: 1 of 1,519,222 alleles (0.000066%); highest among the groups gnomAD compares: Non-Finnish European, 0.000088%; no homozygotes.

Submission:

Women's Health and Genetics/Laboratory Corporation of America, LabCorp
Classification: Uncertain significance. Last evaluated: 2025-02-25. Review status: criteria provided, single submitter. Criteria: LabCorp Variant Classification Summary - May 2015. Collection method: clinical testing. Allele origin: germline.
Comment: Variant summary: CIC c.4753C>T (p.Gln1585X) results in a premature termination codon, predicted to cause a truncation of the encoded protein, however nonsense mediated decay is not predicted. The variant was absent in 116468 control chromosomes. The available data on variant occurrences in the general population are insufficient to allow any conclusion about variant significance. To our knowledge, no occurrence of c.4753C>T in individuals affected with Mental Retardation, Autosomal Dominant 45 and no experimental evidence demonstrating its impact on protein function have been reported. No submitters have cited clinical-significance assessments for this variant to ClinVar. Based on the evidence outlined above, the variant was classified as uncertain significance.

NM_001386298.1(CIC):c.7480C>T (p.Gln2494Ter)

Gene: CIC (capicua transcriptional repressor; plus strand). Cytogenetic location: 19q13.2.
Variant type: single nucleotide variant.
Coding change: c.7480C>T on transcript NM_001386298.1 (MANE Select); coding-DNA position 7480, C replaced by T.
Protein change: p.Gln2494Ter; replaces glutamine 2494 with a stop codon.
Molecular consequence: nonsense.
Genome position (GRCh38, 1-based): chr19:42,295,117, C>T. VCF-style: chr19-42295117-C-T. GRCh37 (hg19) VCF-style: chr19-42799269-C-T.
Other names: c.7480C>T, p.Gln2494Ter (NM_001304815.2); c.7477C>T, p.Gln2493Ter (NM_001379480.1, NM_001379482.1); c.4747C>T, p.Gln1583Ter (NM_001379484.1); c.4744C>T, p.Gln1582Ter (NM_001379485.1); c.4753C>T, p.Gln1585Ter (NM_015125.5); short protein forms Q1582*, Q1583*, Q1585*, Q2493*, Q2494*.
Identifiers: ClinVar variation 3768681 (VCV003768681.1).